The following is an entry in ClinVar:

ClinVar aggregate classification (germline): Likely benign. Review status: criteria provided, multiple submitters, no conflicts (2 of 4 stars). 3 submissions from 3 submitters: Likely benign (3). Last evaluated 2025-10-31.

Allele frequency attached by ClinVar (database versions not stated): 1000 Genomes Project 30x 0.00016; 1000 Genomes Project 0.00020; TOPMed 0.00033; ESP Exome Variant Server 0.00038; gnomAD 0.00040; ExAC 0.00046; gnomAD exomes 0.00052 and 0.00060.
gnomAD v4.1: 927 of 1,613,054 alleles (0.057%); highest among the groups gnomAD compares: South Asian, 0.097%; 1 homozygote.

Submissions (3):

Labcorp Genetics (formerly Invitae), Labcorp
Classification: Likely benign. Last evaluated: 2025-10-31. Review status: criteria provided, single submitter. Criteria: Invitae Variant Classification Sherloc (09022015). Collection method: clinical testing. Allele origin: germline.

Mayo Clinic Laboratories, Mayo Clinic
Classification: Likely benign. Last evaluated: 2025-08-01. Review status: criteria provided, single submitter. Criteria: ACMG Guidelines, 2015. Collection method: clinical testing. Allele origin: germline. Observed: 2 variant alleles.
Comment: BS1

Blueprint Genetics
Classification: Likely benign. Last evaluated: 2024-11-21. Review status: criteria provided, single submitter. Criteria: ACMG Guidelines, 2015. Collection method: clinical testing. Allele origin: germline.

NM_020821.3(VPS13C):c.426T>C (p.Phe142=)

Gene: VPS13C (vacuolar protein sorting 13 homolog C; minus strand). Cytogenetic location: 15q22.2.
Variant type: single nucleotide variant.
Coding change: c.426T>C on transcript NM_020821.3 (MANE Select); coding-DNA position 426, T replaced by C.
Protein change: p.Phe142=; no amino-acid change (phenylalanine 142 retained).
Molecular consequence: synonymous variant. On other transcripts: intron variant (2).
Genome position (GRCh38, 1-based): chr15:62,028,380, A>G on the plus strand (T>C on the coding strand, the complement: VPS13C is on the minus strand). VCF-style: chr15-62028380-A-G. GRCh37 (hg19) VCF-style: chr15-62320579-A-G.
Other names: p.Phe142=; c.426T>C, p.Phe142= (NM_001018088.3); c.386-4860T>C (NM_017684.5, NM_018080.4).
Identifiers: ClinVar variation 788740 (VCV000788740.11), dbSNP rs144525924, ClinGen allele CA7597543.